The following is an entry in ClinVar:

NM_004006.3(DMD):c.2915A>C (p.Tyr972Ser)

Gene: DMD (dystrophin; minus strand). Cytogenetic location: Xp21.1.
Variant type: single nucleotide variant.
Coding change: c.2915A>C on transcript NM_004006.3 (MANE Select); coding-DNA position 2915, A replaced by C.
Protein change: p.Tyr972Ser; replaces tyrosine 972 with serine.
Molecular consequence: missense variant.
Genome position (GRCh38, 1-based): chrX:32,472,198, T>G on the plus strand (A>C on the coding strand, the complement: DMD is on the minus strand). VCF-style: chrX-32472198-T-G. GRCh37 (hg19) VCF-style: chrX-32490315-T-G.
Other names: c.2891A>C, p.Tyr964Ser (NM_000109.4); c.2903A>C, p.Tyr968Ser (NM_004009.3); c.2546A>C, p.Tyr849Ser (NM_004010.3); short protein forms Y849S, Y964S, Y968S, Y972S.
Identifiers: ClinVar variation 2688952 (VCV002688952.5), dbSNP rs1159431849, ClinGen allele CA412667922.

ClinVar aggregate classification (germline): Uncertain significance. Review status: criteria provided, multiple submitters, no conflicts (2 of 4 stars). 2 submissions from 2 submitters: Uncertain significance (2). Last evaluated 2023-05-08.

Conditions:
Duchenne muscular dystrophy (DMD). Also called: MUSCULAR DYSTROPHY, PSEUDOHYPERTROPHIC PROGRESSIVE, DUCHENNE TYPE; Duchenne Muscular Dystrophy (DMD). Identifiers: Orphanet 98896, MedGen C0013264, MONDO:0010679, OMIM 310200.

Submissions (2):

Revvity Omics, Revvity
Classification: Uncertain significance. Last evaluated: 2023-05-08. Review status: criteria provided, single submitter. Criteria: ACMG Guidelines, 2015. Collection method: clinical testing. Allele origin: germline.

Labcorp Genetics (formerly Invitae), Labcorp
Classification: Uncertain significance for Duchenne muscular dystrophy. Last evaluated: 2023-05-01. Review status: criteria provided, single submitter. Criteria: Invitae Variant Classification Sherloc (09022015). Collection method: clinical testing. Allele origin: germline.
Comment: In summary, the available evidence is currently insufficient to determine the role of this variant in disease. Therefore, it has been classified as a Variant of Uncertain Significance. Advanced modeling of protein sequence and biophysical properties (such as structural, functional, and spatial information, amino acid conservation, physicochemical variation, residue mobility, and thermodynamic stability) performed at Invitae indicates that this missense variant is not expected to disrupt DMD protein function. This variant has not been reported in the literature in individuals affected with DMD-related conditions. This variant is not present in population databases (gnomAD no frequency). This sequence change replaces tyrosine, which is neutral and polar, with serine, which is neutral and polar, at codon 972 of the DMD protein (p.Tyr972Ser).